The following is an entry in ClinVar:

ClinVar aggregate classification (germline): Uncertain significance (1 of 4 stars; one submission).

Conditions:
Inborn genetic diseases. Identifiers: MedGen C0950123, MeSH D030342.

gnomAD v4.1: 1 of 1,614,080 alleles (0.000062%); highest among the groups gnomAD compares: East Asian, 0.0022%; no homozygotes.

Submission:

Ambry Genetics
Classification: Uncertain significance for Inborn genetic diseases. Last evaluated: 2026-06-05. Review status: criteria provided, single submitter. Criteria: Ambry Variant Classification Scheme 2023. Collection method: clinical testing. Allele origin: germline.
Comment: The p.G70S variant (also known as c.208G>A), located in coding exon 2 of the PAX5 gene, results from a G to A substitution at nucleotide position 208. The glycine at codon 70 is replaced by serine, an amino acid with similar properties. This amino acid position is conserved. In addition, this alteration is predicted to be deleterious by in silico analysis. Based on the available evidence, the clinical significance of this variant remains unclear.

NM_016734.3(PAX5):c.208G>A (p.Gly70Ser)

Gene: PAX5 (paired box 5; minus strand). Cytogenetic location: 9p13.2.
Variant type: single nucleotide variant.
Coding change: c.208G>A on transcript NM_016734.3 (MANE Select); coding-DNA position 208, G replaced by A.
Protein change: p.Gly70Ser; replaces glycine 70 with serine.
Molecular consequence: missense variant. On other transcripts: non-coding transcript variant (2), intron variant (2).
Genome position (GRCh38, 1-based): chr9:37,020,640, C>T on the plus strand (G>A on the coding strand, the complement: PAX5 is on the minus strand). VCF-style: chr9-37020640-C-T. GRCh37 (hg19) VCF-style: chr9-37020637-C-T.
Other names: c.208G>A, p.Gly70Ser (NM_001280547.2, NM_001280548.2, NM_001280549.2 and 5 more transcripts); c.-112-5446G>A (NM_001280551.2, NM_001280556.2); short protein forms G70S.
Identifiers: ClinVar variation 4861624 (VCV004861624.1).
Genomic context (GRCh38, chr9:37,020,640, plus strand): 5'-CATGTTTTAGGTCTTTATTTGAAAGATCAAGGGAAGCCTCGAGCTACTGCCTTTACCTGC[C>T]AAGAATTTTGCTGACACAACCATGGCTGACCCGAAGCTGCCTGGAGATGTCGCAGGGCCT-3'
Protein context (NP_057953.1, residues 60-80): VSHGCVSKIL[Gly70Ser]RYYETGSIKP